The following is an entry in ClinVar:

ClinVar aggregate classification (germline): Benign. Review status: criteria provided, multiple submitters, no conflicts (2 of 4 stars). 8 submissions from 8 submitters: Benign (7). 1 of the submissions does not count toward it. Last evaluated 2026-02-16.

Conditions:
Glucocorticoid deficiency with achalasia (AAAS). Also called: AAA syndrome; Allgrove syndrome; Addisonian achalasia syndrome; Alacrima-achalasia-addisonianism; ACTH-resistant adrenal insufficiency, achalasia and alacrima; Glucocorticoid deficiency and achalasia. Identifiers: Orphanet 869, MedGen C0271742, MONDO:0009279, OMIM 231550.

Allele frequency attached by ClinVar (database versions not stated): ESP Exome Variant Server 0.90627; TOPMed 0.91086; 1000 Genomes Project 30x 0.91115; 1000 Genomes Project 0.91534; gnomAD 0.91562 and 0.92146; ExAC 0.97454; gnomAD exomes 0.97929 and 0.99187.
gnomAD v4.1: 1,589,612 of 1,613,986 alleles (98%); highest among the groups gnomAD compares: East Asian, 100%; 785,609 homozygotes.

Submissions (8):

Women's Health and Genetics/Laboratory Corporation of America, LabCorp
Classification: Benign. Last evaluated: 2026-02-16. Review status: criteria provided, single submitter. Criteria: LabCorp Variant Classification Summary - May 2015. Collection method: clinical testing. Allele origin: germline.

Labcorp Genetics (formerly Invitae), Labcorp
Classification: Benign. Last evaluated: 2026-02-04. Review status: criteria provided, single submitter. Criteria: Invitae Variant Classification Sherloc (09022015). Collection method: clinical testing. Allele origin: germline.

Blueprint Genetics
Classification: Benign. Last evaluated: 2024-11-27. Review status: criteria provided, single submitter. Criteria: ACMG Guidelines, 2015. Collection method: clinical testing. Allele origin: germline.

Genome-Nilou Lab
Classification: Benign for Glucocorticoid deficiency with achalasia. Last evaluated: 2021-07-14. Review status: criteria provided, single submitter. Criteria: ACMG Guidelines, 2015. Collection method: clinical testing. Allele origin: germline. Affected: no.

Mayo Clinic Laboratories, Mayo Clinic
Classification: Benign. Last evaluated: 2017-07-19. Review status: criteria provided, single submitter. Criteria: ACMG Guidelines, 2015. Collection method: clinical testing. Allele origin: germline. Observed: 1,726 variant alleles.

GeneDx
Classification: Benign. Last evaluated: 2015-03-03. Review status: criteria provided, single submitter. Criteria: GeneDx Variant Classification Process June 2021. Collection method: clinical testing. Allele origin: germline. Affected: yes.

Breakthrough Genomics
Classification: Benign. Review status: criteria provided, single submitter. Criteria: ACMG Guidelines, 2015. Collection method: not provided. Allele origin: germline. Inheritance: Autosomal recessive inheritance. Affected: yes.

Genetic Services Laboratory, University of Chicago
Classification: Likely benign for AllHighlyPenetrant. Review status: no assertion criteria provided. Collection method: clinical testing. Allele origin: germline. Inheritance: Autosomal recessive inheritance. Not counted in ClinVar's aggregate classification.
Comment: Likely benign based on allele frequency in 1000 Genomes Project or ESP global frequency and its presence in a patient with a rare or unrelated disease phenotype. NOT Sanger confirmed.

NM_015665.6(AAAS):c.855C>T (p.Phe285=)

Gene: AAAS (aladin WD repeat nucleoporin; minus strand). Cytogenetic location: 12q13.13.
Variant type: single nucleotide variant.
Coding change: c.855C>T on transcript NM_015665.6 (MANE Select); coding-DNA position 855, C replaced by T.
Protein change: p.Phe285=; no amino-acid change (phenylalanine 285 retained).
Molecular consequence: synonymous variant.
Genome position (GRCh38, 1-based): chr12:53,309,237, G>A on the plus strand (C>T on the coding strand, the complement: AAAS is on the minus strand). VCF-style: chr12-53309237-G-A. GRCh37 (hg19) VCF-style: chr12-53703021-G-A.
Other names: p.Phe285=; c.756C>T, p.Phe252= (NM_001173466.2).
Identifiers: ClinVar variation 128252 (VCV000128252.25), dbSNP rs1546808, ClinGen allele CA151554.
Genomic context (GRCh38, chr12:53,309,237, plus strand): 5'-GGTAGCCAGGATTTTGCTGCCGTCTGGGGACCAGAGCAGGTTGGTCACCCCACCTCCTCG[G>A]AACCAGGGAAGGGGGACACAGGTCTCTGTTGAGACATCCCATACCTAGGAGAGTGGGGCA-3'
Protein context (NP_056480.1, residues 275-295): STETCVPLPW[Phe285=]RGGGVTNLLW